The following is an entry in ClinVar:

NM_032737.4(LMNB2):c.1576G>A (p.Gly526Ser)

Gene: LMNB2 (lamin B2; minus strand). Cytogenetic location: 19p13.3.
Variant type: single nucleotide variant.
Coding change: c.1576G>A on transcript NM_032737.4 (MANE Select); coding-DNA position 1576, G replaced by A.
Protein change: p.Gly526Ser; replaces glycine 526 with serine.
Molecular consequence: missense variant.
Genome position (GRCh38, 1-based): chr19:2,432,430, C>T on the plus strand (G>A on the coding strand, the complement: LMNB2 is on the minus strand). VCF-style: chr19-2432430-C-T. GRCh37 (hg19) VCF-style: chr19-2432428-C-T.
Other names: short protein forms G526S.
Identifiers: ClinVar variation 4786050 (VCV004786050.1).
Genomic context (GRCh38, chr19:2,432,430, plus strand): 5'-CACACCCCATCCGTGGCCACCCTCGCCCTCCTGCCCCACCACCTACCGTGACCATCTGGC[C>T]GGCGCGCAGGATGTACTTGGGCGTGAACTTGTAGGCGATCTCCTCCCCCTCCAAGACCTG-3'
Protein context (NP_116126.3, residues 516-536): KFTPKYILRA[Gly526Ser]QMVTVWAAGA

ClinVar aggregate classification (germline): Uncertain significance (1 of 4 stars; one submission).

Conditions:
Lipodystrophy, partial, acquired, susceptibility to (APLD). Also called: APLD, SUSCEPTIBILITY TO. Identifiers: MedGen C3887501, MONDO:0100476, OMIM 608709.
Progressive myoclonic epilepsy type 9. Identifiers: Orphanet 457265, MedGen C4225289, MONDO:0014685, OMIM 616540.

gnomAD v4.1: 46 of 1,612,890 alleles (0.0029%); highest among the groups gnomAD compares: South Asian, 0.0044%; no homozygotes.

Submission:

Labcorp Genetics (formerly Invitae), Labcorp
Classification: Uncertain significance for Progressive myoclonic epilepsy type 9; Lipodystrophy, partial, acquired, susceptibility to. Last evaluated: 2025-07-03. Review status: criteria provided, single submitter. Criteria: Invitae Variant Classification Sherloc (09022015). Collection method: clinical testing. Allele origin: germline.
Comment: This sequence change replaces glycine, which is neutral and non-polar, with serine, which is neutral and polar, at codon 526 of the LMNB2 protein (p.Gly526Ser). This variant is present in population databases (rs775811254, gnomAD 0.008%). This variant has not been reported in the literature in individuals affected with LMNB2-related conditions. Invitae Evidence Modeling of protein sequence and biophysical properties (such as structural, functional, and spatial information, amino acid conservation, physicochemical variation, residue mobility, and thermodynamic stability) indicates that this missense variant is expected to disrupt LMNB2 protein function with a positive predictive value of 80%. In summary, the available evidence is currently insufficient to determine the role of this variant in disease. Therefore, it has been classified as a Variant of Uncertain Significance.